The following is an entry in ClinVar:

NM_000368.5(TSC1):c.1290A>G (p.Pro430=)

Gene: TSC1 (TSC complex subunit 1; minus strand). Cytogenetic location: 9q34.13.
Variant type: single nucleotide variant.
Coding change: c.1290A>G on transcript NM_000368.5 (MANE Select); coding-DNA position 1290, A replaced by G.
Protein change: p.Pro430=; no amino-acid change (proline 430 retained).
Molecular consequence: synonymous variant.
Genome position (GRCh38, 1-based): chr9:132,907,344, T>C on the plus strand (A>G on the coding strand, the complement: TSC1 is on the minus strand). VCF-style: chr9-132907344-T-C. GRCh37 (hg19) VCF-style: chr9-135782731-T-C.
Other names: c.1287A>G, p.Pro429= (NM_001162426.2); c.1137A>G, p.Pro379= (NM_001162427.2); c.927A>G, p.Pro309= (NM_001362177.2).
Identifiers: ClinVar variation 793100 (VCV000793100.15), dbSNP rs759914505, ClinGen allele CA027987.

ClinVar aggregate classification (germline): Benign/Likely benign. Review status: criteria provided, multiple submitters, no conflicts (2 of 4 stars). 4 submissions from 4 submitters: Benign (1); Likely benign (3). Last evaluated 2025-04-09.

Conditions:
Hereditary cancer-predisposing syndrome. Also called: Neoplastic Syndromes, Hereditary; Hereditary neoplastic syndrome; Tumor predisposition; Hereditary Cancer Syndrome. Identifiers: Orphanet 140162, MedGen C0027672, MeSH D009386, MONDO:0015356.
Tuberous sclerosis 1 (TSC1). Identifiers: Orphanet 805, MedGen C1854465, MONDO:0008612, OMIM 191100.

Allele frequency attached by ClinVar (database versions not stated): gnomAD exomes 0.00001 and 0.00002; ExAC 0.00002.
gnomAD v4.1: 5 of 1,614,174 alleles (0.00031%); highest among the groups gnomAD compares: Admixed American, 0.0067%; no homozygotes.

Submissions (4):

Myriad Genetics, Inc.
Classification: Benign for Tuberous sclerosis 1. Last evaluated: 2025-04-09. Review status: criteria provided, single submitter. Criteria: Myriad Autosomal Dominant, Autosomal Recessive and X-Linked Classification Criteria (2023). Collection method: clinical testing. Allele origin: unknown.
Comment: This variant is considered benign. This variant is a silent/synonymous amino acid change and it is not expected to impact splicing.

Labcorp Genetics (formerly Invitae), Labcorp
Classification: Likely benign for Tuberous sclerosis 1. Last evaluated: 2025-03-25. Review status: criteria provided, single submitter. Criteria: Invitae Variant Classification Sherloc (09022015). Collection method: clinical testing. Allele origin: germline.

Ambry Genetics
Classification: Likely benign for Hereditary cancer-predisposing syndrome. Last evaluated: 2022-05-01. Review status: criteria provided, single submitter. Criteria: Ambry Variant Classification Scheme 2023. Collection method: clinical testing. Allele origin: germline.

Sema4
Classification: Likely benign for Hereditary cancer-predisposing syndrome. Last evaluated: 2021-01-13. Review status: criteria provided, single submitter. Criteria: Sema4 Curation Guidelines. Collection method: curation. Allele origin: germline.